The following is an entry in ClinVar:

ClinVar aggregate classification (germline): Uncertain significance (1 of 4 stars; one submission).

gnomAD v4.1: 1 of 1,614,140 alleles (0.000062%); highest among the groups gnomAD compares: Admixed American, 0.0017%; no homozygotes.

Submission:

Ambry Genetics
Classification: Uncertain significance. Last evaluated: 2024-04-28. Review status: criteria provided, single submitter. Criteria: Ambry Variant Classification Scheme 2023. Collection method: clinical testing. Allele origin: germline.
Comment: The p.S489C variant (also known as c.1466C>G), located in coding exon 13 of the NPAT gene, results from a C to G substitution at nucleotide position 1466. The serine at codon 489 is replaced by cysteine, an amino acid with dissimilar properties. This amino acid position is conserved. In addition, this alteration is predicted to be tolerated by in silico analysis. Based on the available evidence, the clinical significance of this variant remains unclear.

NM_002519.3(NPAT):c.1466C>G (p.Ser489Cys)

Gene: NPAT (nuclear protein, coactivator of histone transcription; minus strand). Cytogenetic location: 11q22.3.
Variant type: single nucleotide variant.
Coding change: c.1466C>G on transcript NM_002519.3 (MANE Select); coding-DNA position 1466, C replaced by G.
Protein change: p.Ser489Cys; replaces serine 489 with cysteine.
Molecular consequence: missense variant.
Genome position (GRCh38, 1-based): chr11:108,173,518, G>C on the plus strand (C>G on the coding strand, the complement: NPAT is on the minus strand). VCF-style: chr11-108173518-G-C. GRCh37 (hg19) VCF-style: chr11-108044245-G-C.
Other names: c.1466C>G, p.Ser489Cys (NM_001321307.1); short protein forms S489C.
Identifiers: ClinVar variation 3300681 (VCV003300681.1).
Genomic context (GRCh38, chr11:108,173,518, plus strand): 5'-ATTGGTATATCAGGCTGATCAGGCTGTAACTGAGATTCACTCGGTACATTTGAAGACAAA[G>C]AGTTCTTTTCAATCCCTATAGCCATTTCAGTTTCAGTGGACATCTGATTGGTGTATAATT-3'
Protein context (NP_002510.2, residues 479-499): TEMAIGIEKN[Ser489Cys]LSSNVPSESQ